The following is an entry in ClinVar:

NM_032444.4(SLX4):c.3344T>C (p.Leu1115Pro)

Gene: SLX4 (SLX4 structure-specific endonuclease subunit; minus strand). Cytogenetic location: 16p13.3.
Variant type: single nucleotide variant.
Coding change: c.3344T>C on transcript NM_032444.4 (MANE Select); coding-DNA position 3344, T replaced by C.
Protein change: p.Leu1115Pro; replaces leucine 1115 with proline.
Molecular consequence: missense variant.
Genome position (GRCh38, 1-based): chr16:3,590,294, A>G on the plus strand (T>C on the coding strand, the complement: SLX4 is on the minus strand). VCF-style: chr16-3590294-A-G. GRCh37 (hg19) VCF-style: chr16-3640295-A-G.
Other names: short protein forms L1115P.
Identifiers: ClinVar variation 1490044 (VCV001490044.6), dbSNP rs2040568630, ClinGen allele CA394520339.

ClinVar aggregate classification (germline): Uncertain significance (1 of 4 stars; one submission).

Conditions:
Fanconi anemia (FA). Also called: Fanconi's anemia. Identifiers: Orphanet 84, MedGen C0015625, MeSH D005199, MONDO:0019391.

Allele frequency attached by ClinVar (database versions not stated): gnomAD exomes below 0.00001.
gnomAD v4.1: 1 of 1,613,966 alleles (0.000062%); highest among the groups gnomAD compares: East Asian, 0.0022%; no homozygotes.

Submission:

Labcorp Genetics (formerly Invitae), Labcorp
Classification: Uncertain significance for Fanconi anemia. Last evaluated: 2021-10-12. Review status: criteria provided, single submitter. Criteria: Invitae Variant Classification Sherloc (09022015). Collection method: clinical testing. Allele origin: germline.
Comment: This sequence change replaces leucine with proline at codon 1115 of the SLX4 protein (p.Leu1115Pro). The leucine residue is moderately conserved and there is a moderate physicochemical difference between leucine and proline. This variant is not present in population databases (ExAC no frequency). In summary, the available evidence is currently insufficient to determine the role of this variant in disease. Therefore, it has been classified as a Variant of Uncertain Significance. Algorithms developed to predict the effect of missense changes on protein structure and function output the following: SIFT: "Deleterious"; PolyPhen-2: "Benign"; Align-GVGD: "Class C0". The proline amino acid residue is found in multiple mammalian species, which suggests that this missense change does not adversely affect protein function. This variant has not been reported in the literature in individuals affected with SLX4-related conditions.